The following is an entry in ClinVar:

ClinVar aggregate classification (germline): Conflicting classifications of pathogenicity. Review status: criteria provided, conflicting classifications (1 of 4 stars). 4 submissions from 4 submitters: Uncertain significance (2); Likely benign (2). Last evaluated 2025-11-24.

Conditions:
Hereditary breast ovarian cancer syndrome. Also called: Hereditary breast and/or ovarian cancer syndrome; BRCA1- and BRCA2-Associated Hereditary Breast and Ovarian Cancer; Breast and ovarian cancer; Hereditary breast and ovarian cancer; Hereditary breast and ovarian cancer syndrome; Hereditary breast and ovarian cancer syndrome (HBOC). Identifiers: Orphanet 145, MedGen C0677776, MeSH D061325, MONDO:0003582. Disease mechanism: loss of function.
Hereditary cancer-predisposing syndrome. Also called: Hereditary neoplastic syndrome; Tumor predisposition; Hereditary Cancer Syndrome; Neoplastic Syndromes, Hereditary. Identifiers: Orphanet 140162, MedGen C0027672, MeSH D009386, MONDO:0015356.

Submissions (4):

Labcorp Genetics (formerly Invitae), Labcorp
Classification: Uncertain significance for Hereditary breast ovarian cancer syndrome. Last evaluated: 2025-11-24. Review status: criteria provided, single submitter. Criteria: Invitae Variant Classification Sherloc (09022015). Collection method: clinical testing. Allele origin: germline.
Comment: This sequence change replaces isoleucine, which is neutral and non-polar, with valine, which is neutral and non-polar, at codon 921 of the BRCA2 protein (p.Ile921Val). This variant is not present in population databases (gnomAD no frequency). This variant has not been reported in the literature in individuals affected with BRCA2-related conditions. ClinVar contains an entry for this variant (Variation ID: 491224). Invitae Evidence Modeling of protein sequence and biophysical properties (such as structural, functional, and spatial information, amino acid conservation, physicochemical variation, residue mobility, and thermodynamic stability) indicates that this missense variant is not expected to disrupt BRCA2 protein function with a negative predictive value of 95%. In summary, the available evidence is currently insufficient to determine the role of this variant in disease. Therefore, it has been classified as a Variant of Uncertain Significance.

University of Washington Department of Laboratory Medicine, University of Washington
Classification: Likely benign for Hereditary cancer-predisposing syndrome. Last evaluated: 2023-03-23. Review status: criteria provided, single submitter. Criteria: Dines et al. (Genet Med. 2020). Collection method: curation. Allele origin: germline.
Comment: Missense variant in a coldspot region where missense variants are very unlikely to be pathogenic (PMID:31911673).

BRCA2 exon 11 coldspot. Reclassification based on statistical prior probability.

Ambry Genetics
Classification: Likely benign for Hereditary cancer-predisposing syndrome. Last evaluated: 2022-02-16. Review status: criteria provided, single submitter. Criteria: Ambry Variant Classification Scheme 2023. Collection method: clinical testing. Allele origin: germline.

Color Diagnostics, LLC DBA Color Health
Classification: Uncertain significance for Hereditary cancer-predisposing syndrome. Last evaluated: 2019-05-03. Review status: criteria provided, single submitter. Criteria: ACMG Guidelines, 2015. Collection method: clinical testing. Allele origin: germline.

NM_000059.4(BRCA2):c.2761A>G (p.Ile921Val)

Gene: BRCA2 (BRCA2 DNA repair associated; plus strand). Cytogenetic location: 13q13.1.
Variant type: single nucleotide variant.
Coding change: c.2761A>G on transcript NM_000059.4 (MANE Select); coding-DNA position 2761, A replaced by G.
Protein change: p.Ile921Val; replaces isoleucine 921 with valine.
Molecular consequence: missense variant.
Genome position (GRCh38, 1-based): chr13:32,337,116, A>G. VCF-style: chr13-32337116-A-G. GRCh37 (hg19) VCF-style: chr13-32911253-A-G.
Other names: short protein forms I921V.
Identifiers: ClinVar variation 491224 (VCV000491224.17), dbSNP rs1555282836, ClinGen allele CA387773662.